The following is an entry in ClinVar:

ClinVar aggregate classification (germline): Uncertain significance (1 of 4 stars; one submission).

Conditions:
Hereditary diffuse gastric adenocarcinoma (HDGC). Also called: DIFFUSE GASTRIC AND LOBULAR BREAST CANCER SYNDROME. Identifiers: Orphanet 26106, MedGen C1708349, MONDO:0007648, OMIM 137215.

Submission:

Labcorp Genetics (formerly Invitae), Labcorp
Classification: Uncertain significance for Hereditary diffuse gastric adenocarcinoma. Last evaluated: 2025-05-08. Review status: criteria provided, single submitter. Criteria: Invitae Variant Classification Sherloc (09022015). Collection method: clinical testing. Allele origin: germline.
Comment: This sequence change replaces proline, which is neutral and non-polar, with threonine, which is neutral and polar, at codon 127 of the CDH1 protein (p.Pro127Thr). This variant is not present in population databases (gnomAD no frequency). This variant has not been reported in the literature in individuals affected with CDH1-related conditions. ClinVar contains an entry for this variant (Variation ID: 406675). An algorithm developed to predict the effect of missense changes on protein structure and function (PolyPhen-2) suggests that this variant is likely to be tolerated. In summary, the available evidence is currently insufficient to determine the role of this variant in disease. Therefore, it has been classified as a Variant of Uncertain Significance.

NM_004360.5(CDH1):c.379C>A (p.Pro127Thr)

Gene: CDH1 (cadherin 1; plus strand). Cytogenetic location: 16q22.1.
Variant type: single nucleotide variant.
Coding change: c.379C>A on transcript NM_004360.5 (MANE Select); coding-DNA position 379, C replaced by A.
Protein change: p.Pro127Thr; replaces proline 127 with threonine.
Molecular consequence: missense variant. On other transcripts: 5 prime UTR variant (2).
Genome position (GRCh38, 1-based): chr16:68,801,885, C>A. VCF-style: chr16-68801885-C-A. GRCh37 (hg19) VCF-style: chr16-68835788-C-A.
Other names: c.379C>A (LRG_301t1); c.379C>A, p.Pro127Thr (NM_001317184.2); c.-1237C>A (NM_001317185.2); c.-1441C>A (NM_001317186.2); short protein forms P127T.
Identifiers: ClinVar variation 406675 (VCV000406675.9), dbSNP rs1060501250, ClinGen allele CA16615215.